The following is an entry in ClinVar:

ClinVar aggregate classification (germline): Uncertain significance (1 of 4 stars; one submission).

gnomAD v4.1: 1 of 1,613,904 alleles (0.000062%); highest among the groups gnomAD compares: Non-Finnish European, 0.000085%; no homozygotes.

Submission:

Ambry Genetics
Classification: Uncertain significance. Last evaluated: 2025-09-07. Review status: criteria provided, single submitter. Criteria: Ambry Variant Classification Scheme 2023. Collection method: clinical testing. Allele origin: germline.
Comment: The p.E566K variant (also known as c.1696G>A), located in coding exon 13 of the GEN1 gene, results from a G to A substitution at nucleotide position 1696. The glutamic acid at codon 566 is replaced by lysine, an amino acid with similar properties. This amino acid position is conserved. In addition, this alteration is predicted to be tolerated by in silico analysis. Based on the available evidence, the clinical significance of this variant remains unclear.

NM_001130009.3(GEN1):c.1696G>A (p.Glu566Lys)

Gene: GEN1 (GEN1 Holliday junction 5' flap endonuclease; plus strand). Cytogenetic location: 2p24.2.
Variant type: single nucleotide variant.
Coding change: c.1696G>A on transcript NM_001130009.3 (MANE Select); coding-DNA position 1696, G replaced by A.
Protein change: p.Glu566Lys; replaces glutamic acid 566 with lysine.
Molecular consequence: missense variant.
Genome position (GRCh38, 1-based): chr2:17,780,908, G>A. VCF-style: chr2-17780908-G-A. GRCh37 (hg19) VCF-style: chr2-17962175-G-A.
Other names: c.1696G>A, p.Glu566Lys (NM_182625.5); short protein forms E566K.
Identifiers: ClinVar variation 4263128 (VCV004263128.1).
Genomic context (GRCh38, chr2:17,780,908, plus strand): 5'-TCTTCTCTAAGACCTTTGGCTATACAGCAAATTAAAGCTGTCAGTAAGTCTCTAATTTCA[G>A]AATCTAGTCAACCCAATACCTCATCTCATAATATATCCGTGATTGCTGATCTACACTTGA-3'
Protein context (NP_001123481.3, residues 556-576): IKAVSKSLIS[Glu566Lys]SSQPNTSSHN